The following is an entry in ClinVar:

NM_144631.6(ZNF513):c.1042G>A (p.Ala348Thr)

Gene: ZNF513 (zinc finger protein 513; minus strand). Cytogenetic location: 2p23.3.
Variant type: single nucleotide variant.
Coding change: c.1042G>A on transcript NM_144631.6 (MANE Select); coding-DNA position 1042, G replaced by A.
Protein change: p.Ala348Thr; replaces alanine 348 with threonine.
Molecular consequence: missense variant.
Genome position (GRCh38, 1-based): chr2:27,378,129, C>T on the plus strand (G>A on the coding strand, the complement: ZNF513 is on the minus strand). VCF-style: chr2-27378129-C-T. GRCh37 (hg19) VCF-style: chr2-27600996-C-T.
Other names: c.856G>A, p.Ala286Thr (NM_001201459.2); short protein forms A348T, A286T.
Identifiers: ClinVar variation 1490113 (VCV001490113.7), dbSNP rs2148412301, ClinGen allele CA346216293.
Genomic context (GRCh38, chr2:27,378,129, plus strand): 5'-CAAAGGGGCAGAGGCTACAGGCAAAGCCTTTGTCACTGGGGCCCTGGGGCCCCCCACTGG[C>T]ACCCCCTCCAGCCTCTCCTCGCATGCAGCGCCCACACATGGCAGCTCCCAGCCGACTACC-3'
Protein context (NP_653232.3, residues 338-358): RCMRGEAGGG[Ala348Thr]SGGPQGPSDK

ClinVar aggregate classification (germline): Uncertain significance. Review status: criteria provided, multiple submitters, no conflicts (2 of 4 stars). 2 submissions from 2 submitters: Uncertain significance (2). Last evaluated 2022-06-05.

gnomAD v4.1: 2 of 1,613,644 alleles (0.00012%); highest among the groups gnomAD compares: Non-Finnish European, 0.00017%; no homozygotes.

Submissions (2):

Labcorp Genetics (formerly Invitae), Labcorp
Classification: Uncertain significance. Last evaluated: 2022-06-05. Review status: criteria provided, single submitter. Criteria: Invitae Variant Classification Sherloc (09022015). Collection method: clinical testing. Allele origin: germline.
Comment: This sequence change replaces alanine, which is neutral and non-polar, with threonine, which is neutral and polar, at codon 348 of the ZNF513 protein (p.Ala348Thr). This variant is not present in population databases (gnomAD no frequency). This variant has not been reported in the literature in individuals affected with ZNF513-related conditions. ClinVar contains an entry for this variant (Variation ID: 1490113). Algorithms developed to predict the effect of missense changes on protein structure and function are either unavailable or do not agree on the potential impact of this missense change (SIFT: "Deleterious"; PolyPhen-2: "Benign"; Align-GVGD: "Class C0"). In summary, the available evidence is currently insufficient to determine the role of this variant in disease. Therefore, it has been classified as a Variant of Uncertain Significance.

Blueprint Genetics
Classification: Uncertain significance. Last evaluated: 2020-06-16. Review status: criteria provided, single submitter. Criteria: ACMG Guidelines, 2015. Collection method: clinical testing. Allele origin: germline.